The following is an entry in ClinVar:

NC_000020.10:g.(?_21142492)_(21186242_?)del

Gene: KIZ (kizuna centrosomal protein; plus strand). Cytogenetic location: 20p11.23.
Variant type: Deletion.
Identifiers: ClinVar variation 2426475 (VCV002426475.3).

ClinVar aggregate classification (germline): Uncertain significance (1 of 4 stars; one submission).

Submission:

Labcorp Genetics (formerly Invitae), Labcorp
Classification: Uncertain significance. Last evaluated: 2022-07-12. Review status: criteria provided, single submitter. Criteria: Invitae Variant Classification Sherloc (09022015). Collection method: clinical testing. Allele origin: germline.
Comment: This variant is a gross deletion of the genomic region encompassing exon(s) 5-7 of the KIZ gene. This variant would be expected to be in-frame, preserving the integrity of the reading frame. This variant has not been reported in the literature in individuals affected with KIZ-related conditions. Experimental studies and prediction algorithms are not available or were not evaluated, and the functional significance of this variant is currently unknown. In summary, the available evidence is currently insufficient to determine the role of this variant in disease. Therefore, it has been classified as a Variant of Uncertain Significance.